The following is an entry in ClinVar:

NM_001184.4(ATR):c.6305A>G (p.Tyr2102Cys)

Gene: ATR (ATR checkpoint kinase; minus strand). Cytogenetic location: 3q23.
Variant type: single nucleotide variant.
Coding change: c.6305A>G on transcript NM_001184.4 (MANE Select); coding-DNA position 6305, A replaced by G.
Protein change: p.Tyr2102Cys; replaces tyrosine 2102 with cysteine.
Molecular consequence: missense variant.
Genome position (GRCh38, 1-based): chr3:142,470,100, T>C on the plus strand (A>G on the coding strand, the complement: ATR is on the minus strand). VCF-style: chr3-142470100-T-C. GRCh37 (hg19) VCF-style: chr3-142188942-T-C.
Other names: c.6113A>G, p.Tyr2038Cys (NM_001354579.2); short protein forms Y2102C, Y2038C.
Identifiers: ClinVar variation 1508238 (VCV001508238.8), dbSNP rs2108280697, ClinGen allele CA354805547.
Genomic context (GRCh38, chr3:142,470,100, plus strand): 5'-AGTTATAATTCCTAGTCCTTTAAAACTTTTACGTGAAGAGTTATACCTTTTTCCCATTCA[T>C]ATGCCTTTGTACCATAATCAAGCCATAGAGTTAACATTCGTGGCATTGACTGATATATGA-3'
Protein context (NP_001175.2, residues 2092-2112): TLWLDYGTKA[Tyr2102Cys]EWEKAGRSDR

ClinVar aggregate classification (germline): Uncertain significance (1 of 4 stars; one submission).

Allele frequency attached by ClinVar (database versions not stated): gnomAD exomes below 0.00001.
gnomAD v4.1: 1 of 1,607,078 alleles (0.000062%); highest among the groups gnomAD compares: South Asian, 0.0011%; no homozygotes.

Submission:

Labcorp Genetics (formerly Invitae), Labcorp
Classification: Uncertain significance. Last evaluated: 2021-03-12. Review status: criteria provided, single submitter. Criteria: Invitae Variant Classification Sherloc (09022015). Collection method: clinical testing. Allele origin: germline.
Comment: This sequence change replaces tyrosine with cysteine at codon 2102 of the ATR protein (p.Tyr2102Cys). The tyrosine residue is moderately conserved and there is a large physicochemical difference between tyrosine and cysteine. This variant is not present in population databases (ExAC no frequency). This variant has not been reported in the literature in individuals with ATR-related conditions. Algorithms developed to predict the effect of missense changes on protein structure and function (SIFT, PolyPhen-2, Align-GVGD) all suggest that this variant is likely to be tolerated, but these predictions have not been confirmed by published functional studies and their clinical significance is uncertain. In summary, the available evidence is currently insufficient to determine the role of this variant in disease. Therefore, it has been classified as a Variant of Uncertain Significance.